The following is an entry in ClinVar:

NM_138927.4(SON):c.286C>T (p.Gln96Ter)

Gene: SON (SON DNA and RNA binding protein; plus strand). Cytogenetic location: 21q22.11.
Variant type: single nucleotide variant.
Coding change: c.286C>T on transcript NM_138927.4 (MANE Select); coding-DNA position 286, C replaced by T.
Protein change: p.Gln96Ter; replaces glutamine 96 with a stop codon.
Molecular consequence: nonsense. On other transcripts: non-coding transcript variant (1), intron variant (1).
Genome position (GRCh38, 1-based): chr21:33,549,517, C>T. VCF-style: chr21-33549517-C-T. GRCh37 (hg19) VCF-style: chr21-34921823-C-T.
Other names: NM_138927.4(SON):c.286C>T; p.Gln96Ter; c.244+3138C>T (NM_001291412.3); c.286C>T, p.Gln96Ter (NM_001291411.2, NM_032195.3); short protein forms Q96*.
Identifiers: ClinVar variation 252926 (VCV000252926.4), dbSNP rs886039777, ClinGen allele CA10586130.

ClinVar aggregate classification (germline): Pathogenic/Likely pathogenic. Review status: criteria provided, multiple submitters, no conflicts (2 of 4 stars). 4 submissions from 4 submitters: Pathogenic (2); Likely pathogenic (1). 1 of the submissions does not count toward it. Last evaluated 2025-04-28.

Conditions:
ZTTK syndrome (ZTTKS). Also called: ZTTK MULTIPLE CONGENITAL ANOMALIES-MENTAL RETARDATION SYNDROME; Zhu-Tokita-Takenouchi-Kim Syndrome. Identifiers: Orphanet 500150, MedGen C4310696, MONDO:0014936, OMIM 617140.
Global developmental delay (DD). Also called: Cognitive delay. Identifiers: MedGen C0557874, HP:0001263. Disease mechanism: loss of function.
Failure to thrive. Also called: Pediatric failure to thrive. Identifiers: MedGen C2315100, HP:0001508.

Submissions (4):

GeneDx
Classification: Pathogenic. Last evaluated: 2025-04-28. Review status: criteria provided, single submitter. Criteria: GeneDx Variant Classification Process June 2021. Collection method: clinical testing. Allele origin: germline. Affected: yes.
Comment: De novo variant in a patient with features consistent with SON-related neurodevelopmental disorder with multiple anomalies in the published literature (PMID: 27545676, 33852895, 34521999); Published functional studies demonstrate a damaging effect (PMID: 33852895); Nonsense variant predicted to result in protein truncation or nonsense mediated decay in a gene for which loss of function is a known mechanism of disease; Not observed at significant frequency in large population cohorts (gnomAD); This variant is associated with the following publications: (PMID: 33852895, 27545676, 34521999)

Broad Center for Mendelian Genomics, Broad Institute of MIT and Harvard
Classification: Pathogenic for ZTTK syndrome. Last evaluated: 2023-05-02. Review status: criteria provided, single submitter. Criteria: ACMG Guidelines, 2015. Collection method: curation. Allele origin: germline. Inheritance: Autosomal dominant inheritance.
Comment: Trio exome analysis showed this variant to be de novo. The number of reported affected individuals with this variant is slightly greater than expected compared to non-affected individuals with this variant. This variant has also been reported in ClinVar (Variation ID: 252926) and has been interpreted as pathogenic by OMIM and as likely pathogenic by Baylor Genetics. This variant was absent from large population studies. This nonsense variant leads to a premature termination codon at position 96, which is predicted to lead to a truncated or absent protein. Heterozygous loss of function of the SON gene is an established disease mechanism in autosomal dominant ZTTK syndrome. In summary, this variant meets criteria to be classified as pathogenic for autosomal dominant ZTTK syndrome. ACMG/AMP Criteria applied: PVS1, PS2_Moderate, PS4_Supporting, PM2_Supporting (Richards 2015).

Baylor Genetics
Classification: Likely pathogenic for Global developmental delay; Failure to thrive. Last evaluated: 2016-06-21. Review status: criteria provided, single submitter. Criteria: Submitter's publication. Collection method: clinical testing. Allele origin: de novo. Inheritance: Autosomal dominant inheritance. Affected: yes. Study: SON.

OMIM
Classification: Pathogenic for ZTTK SYNDROME. Last evaluated: 2016-11-02. Review status: no assertion criteria provided. Collection method: literature only. Allele origin: germline. Not counted in ClinVar's aggregate classification.

Literature cited by the submitters: PubMed 27545676 (cited by OMIM).